The following is an entry in ClinVar:

ClinVar aggregate classification (germline): Uncertain significance (1 of 4 stars; one submission).

Allele frequency attached by ClinVar (database versions not stated): gnomAD exomes 0.00006 and 0.00017; ExAC 0.00018; 1000 Genomes Project 0.00040; TOPMed 0.00048; gnomAD 0.00052 and 0.00056; 1000 Genomes Project 30x 0.00062; ESP Exome Variant Server 0.00069.
gnomAD v4.1: 160 of 1,613,230 alleles (0.0099%); highest among the groups gnomAD compares: African/African-American, 0.19%; 2 homozygotes.

Submission:

Labcorp Genetics (formerly Invitae), Labcorp
Classification: Uncertain significance. Last evaluated: 2022-06-04. Review status: criteria provided, single submitter. Criteria: Invitae Variant Classification Sherloc (09022015). Collection method: clinical testing. Allele origin: germline.
Comment: This variant has not been reported in the literature in individuals affected with ATP6V0A4-related conditions. This variant is present in population databases (rs114055236, gnomAD 0.2%). This sequence change replaces valine, which is neutral and non-polar, with isoleucine, which is neutral and non-polar, at codon 719 of the ATP6V0A4 protein (p.Val719Ile). ClinVar contains an entry for this variant (Variation ID: 1356296). In summary, the available evidence is currently insufficient to determine the role of this variant in disease. Therefore, it has been classified as a Variant of Uncertain Significance. Algorithms developed to predict the effect of missense changes on protein structure and function output the following: SIFT: "Tolerated"; PolyPhen-2: "Benign"; Align-GVGD: "Class C0". The isoleucine amino acid residue is found in multiple mammalian species, which suggests that this missense change does not adversely affect protein function.

NM_020632.3(ATP6V0A4):c.2155G>A (p.Val719Ile)

Gene: ATP6V0A4 (ATPase H+ transporting V0 subunit a4; minus strand). Cytogenetic location: 7q34.
Variant type: single nucleotide variant.
Coding change: c.2155G>A on transcript NM_020632.3 (MANE Select); coding-DNA position 2155, G replaced by A.
Protein change: p.Val719Ile; replaces valine 719 with isoleucine.
Molecular consequence: missense variant.
Genome position (GRCh38, 1-based): chr7:138,715,866, C>T on the plus strand (G>A on the coding strand, the complement: ATP6V0A4 is on the minus strand). VCF-style: chr7-138715866-C-T. GRCh37 (hg19) VCF-style: chr7-138400611-C-T.
Other names: c.2155G>A, p.Val719Ile (NM_130840.3, NM_130841.3); short protein forms V719I.
Identifiers: ClinVar variation 1356296 (VCV001356296.5), dbSNP rs114055236, ClinGen allele CA4504507.